The following is an entry in ClinVar:

NM_001077706.3(ECT2L):c.1145C>A (p.Ala382Asp)

Gene: ECT2L (epithelial cell transforming 2 like; plus strand). Cytogenetic location: 6q24.1.
Variant type: single nucleotide variant.
Coding change: c.1145C>A on transcript NM_001077706.3 (MANE Select); coding-DNA position 1145, C replaced by A.
Protein change: p.Ala382Asp; replaces alanine 382 with aspartic acid.
Molecular consequence: missense variant.
Genome position (GRCh38, 1-based): chr6:138,854,101, C>A. VCF-style: chr6-138854101-C-A. GRCh37 (hg19) VCF-style: chr6-139175238-C-A.
Other names: c.1145C>A, p.Ala382Asp (NM_001195037.2); short protein forms A382D.
Identifiers: ClinVar variation 134017 (VCV000134017.1), dbSNP rs149517821, ClinGen allele CA158429.

ClinVar aggregate classification (germline): not provided (0 of 4 stars; one submission).

Allele frequency attached by ClinVar (database versions not stated): gnomAD exomes 0.00024 and 0.00056; ExAC 0.00074; ESP Exome Variant Server 0.00151; gnomAD 0.00212 and 0.00228; TOPMed 0.00239; 1000 Genomes Project 30x 0.00281; 1000 Genomes Project 0.00300.
gnomAD v4.1: 690 of 1,614,088 alleles (0.043%); highest among the groups gnomAD compares: African/African-American, 0.78%; 2 homozygotes.

Submission:

ITMI
No classification provided. Condition: AllHighlyPenetrant. Last evaluated: 2013-09-19. Review status: no classification provided. Collection method: reference population. Allele origin: germline.
Comment: Please see associated publication for description of ethnicities

Literature cited by the submitters: PubMed 24728327.